The following is an entry in ClinVar:

NM_018100.4(EFHC1):c.550G>T (p.Val184Phe)

Gene: EFHC1 (EF-hand domain containing 1; plus strand). Cytogenetic location: 6p12.2.
Variant type: single nucleotide variant.
Coding change: c.550G>T on transcript NM_018100.4 (MANE Select); coding-DNA position 550, G replaced by T.
Protein change: p.Val184Phe; replaces valine 184 with phenylalanine.
Molecular consequence: missense variant. On other transcripts: non-coding transcript variant (1).
Genome position (GRCh38, 1-based): chr6:52,438,568, G>T. VCF-style: chr6-52438568-G-T. GRCh37 (hg19) VCF-style: chr6-52303366-G-T.
Other names: c.493G>T, p.Val165Phe (NM_001172420.2); c.550G>T (NM_018100.3); short protein forms V184F, V165F.
Identifiers: ClinVar variation 1412625 (VCV001412625.9), dbSNP rs558446131, ClinGen allele CA3855766.
Genomic context (GRCh38, chr6:52,438,568, plus strand): 5'-CATTGGAAAGACCTAAATCGAGGAATAAACATCACAATTTATGGCAAAACTTTCCGCGTT[G>T]TTGACTGTGACCAATTCACACAGGTATAGCATATATTTTTGAAAGTTGTGGGGTCTGAGG-3'
Protein context (NP_060570.2, residues 174-194): ITIYGKTFRV[Val184Phe]DCDQFTQVFL

ClinVar aggregate classification (germline): Uncertain significance. Review status: criteria provided, multiple submitters, no conflicts (2 of 4 stars). 2 submissions from 2 submitters: Uncertain significance (2). Last evaluated 2025-11-26.

Conditions:
Myoclonic epilepsy, juvenile, susceptibility to, 1. Also called: Myoclonic Epilepsy, Juvenile, 1; EJM1. Identifiers: MedGen C1850778, MONDO:0020752, OMIM 254770.
Absence seizure. Also called: Absence epilepsy. Identifiers: Orphanet 1941, MedGen C0014553.

Allele frequency attached by ClinVar (database versions not stated): TOPMed 0.00002; gnomAD exomes 0.00010 and 0.00021; 1000 Genomes Project 30x 0.00016; 1000 Genomes Project 0.00020; ExAC 0.00027; gnomAD 0.00007.
gnomAD v4.1: 158 of 1,614,014 alleles (0.0098%); highest among the groups gnomAD compares: South Asian, 0.17%; 2 homozygotes.

Submissions (2):

Ambry Genetics
Classification: Uncertain significance. Last evaluated: 2025-11-26. Review status: criteria provided, single submitter. Criteria: Ambry Variant Classification Scheme 2023. Collection method: clinical testing. Allele origin: germline.

Labcorp Genetics (formerly Invitae), Labcorp
Classification: Uncertain significance for Myoclonic epilepsy, juvenile, susceptibility to, 1; Absence seizure. Last evaluated: 2025-04-14. Review status: criteria provided, single submitter. Criteria: Invitae Variant Classification Sherloc (09022015). Collection method: clinical testing. Allele origin: germline.
Comment: This sequence change replaces valine, which is neutral and non-polar, with phenylalanine, which is neutral and non-polar, at codon 184 of the EFHC1 protein (p.Val184Phe). This variant is present in population databases (rs558446131, gnomAD 0.2%), and has an allele count higher than expected for a pathogenic variant. This variant has not been reported in the literature in individuals affected with EFHC1-related conditions. ClinVar contains an entry for this variant (Variation ID: 1412625). Invitae Evidence Modeling of protein sequence and biophysical properties (such as structural, functional, and spatial information, amino acid conservation, physicochemical variation, residue mobility, and thermodynamic stability) has been performed for this missense variant. However, the output from this modeling did not meet the statistical confidence thresholds required to predict the impact of this variant on EFHC1 protein function. In summary, the available evidence is currently insufficient to determine the role of this variant in disease. Therefore, it has been classified as a Variant of Uncertain Significance.